The following is an entry in ClinVar:

ClinVar aggregate classification (germline): Uncertain significance (1 of 4 stars; one submission).

Allele frequency attached by ClinVar (database versions not stated): ESP Exome Variant Server 0.00008; 1000 Genomes Project 30x 0.00016.
gnomAD v4.1: 116 of 1,613,764 alleles (0.0072%); highest among the groups gnomAD compares: Non-Finnish European, 0.0063%; 1 homozygote.

Submission:

Labcorp Genetics (formerly Invitae), Labcorp
Classification: Uncertain significance. Last evaluated: 2025-12-15. Review status: criteria provided, single submitter. Criteria: Invitae Variant Classification Sherloc (09022015). Collection method: clinical testing. Allele origin: germline.
Comment: This sequence change replaces threonine, which is neutral and polar, with isoleucine, which is neutral and non-polar, at codon 294 of the EXOSC9 protein (p.Thr294Ile). This variant is present in population databases (rs140662020, gnomAD 0.08%). This variant has not been reported in the literature in individuals affected with EXOSC9-related conditions. ClinVar contains an entry for this variant (Variation ID: 1427289). Invitae Evidence Modeling of protein sequence and biophysical properties (such as structural, functional, and spatial information, amino acid conservation, physicochemical variation, residue mobility, and thermodynamic stability) indicates that this missense variant is expected to disrupt EXOSC9 protein function with a positive predictive value of 80%. In summary, the available evidence is currently insufficient to determine the role of this variant in disease. Therefore, it has been classified as a Variant of Uncertain Significance.

NM_005033.3(EXOSC9):c.881C>T (p.Thr294Ile)

Gene: EXOSC9 (exosome component 9; plus strand). Cytogenetic location: 4q27.
Variant type: single nucleotide variant.
Coding change: c.881C>T on transcript NM_005033.3 (MANE Select); coding-DNA position 881, C replaced by T.
Protein change: p.Thr294Ile; replaces threonine 294 with isoleucine.
Molecular consequence: missense variant.
Genome position (GRCh38, 1-based): chr4:121,813,287, C>T. VCF-style: chr4-121813287-C-T. GRCh37 (hg19) VCF-style: chr4-122734442-C-T.
Other names: c.881C>T, p.Thr294Ile (NM_001034194.2); short protein forms T294I.
Identifiers: ClinVar variation 1427289 (VCV001427289.5), dbSNP rs140662020, ClinGen allele CA3063566.